The following is an entry in ClinVar:

NM_000169.3(GLA):c.178C>T (p.Pro60Ser)

Genes: GLA (galactosidase alpha; minus strand), RPL36A-HNRNPH2 (RPL36A-HNRNPH2 readthrough; plus strand). Cytogenetic location: Xq22.1.
Variant type: single nucleotide variant.
Coding change: c.178C>T on transcript NM_000169.3 (MANE Select); coding-DNA position 178, C replaced by T.
Protein change: p.Pro60Ser; replaces proline 60 with serine.
Molecular consequence: missense variant. On other transcripts: non-coding transcript variant (3), intron variant (2).
Genome position (GRCh38, 1-based): chrX:101,407,726, G>A on the plus strand (C>T on the coding strand, the complement: GLA is on the minus strand). VCF-style: chrX-101407726-G-A. GRCh37 (hg19) VCF-style: chrX-100662714-G-A.
Other names: c.178C>T, p.Pro60Ser (NM_001406747.1, NM_001406748.1, NM_001406749.1); c.301-4210G>A (NM_001199973.2); c.178-4210G>A (NM_001199974.2); short protein forms P60S.
Identifiers: ClinVar variation 1325409 (VCV001325409.4), dbSNP rs727504689, ClinGen allele CA413936715.

ClinVar aggregate classification (germline): Conflicting classifications of pathogenicity. Review status: criteria provided, conflicting classifications (1 of 4 stars). 3 submissions from 3 submitters: Likely pathogenic (1); Uncertain significance (2). Last evaluated 2026-09-08.

Conditions:
Fabry disease. Also called: Ceramide trihexosidosis; GLA DEFICIENCY; HEREDITARY DYSTOPIC LIPIDOSIS; Angiokeratoma corporis diffusum; Fabry's disease; ALPHA-GALACTOSIDASE A DEFICIENCY. Identifiers: Orphanet 324, MedGen C0002986, MONDO:0010526, OMIM 301500, HP:0001071. Disease mechanism: Fabry disease is due to inactivating mutations in the X-linked GLA gene resulting in deficiency of the enzyme Alpha Galactosidase-A., loss of function.

Submissions (3):

Genomenon, Inc
Classification: Uncertain significance for Fabry disease. Last evaluated: 2026-09-08. Review status: criteria provided, single submitter. Criteria: Genomenon Sequence Variant Interpretation Standards - Updated. Collection method: curation. Allele origin: germline. Affected: no.
Comment: GLA p.Pro60Ser (c.178C>T) is a missense variant that changes the amino acid at codon 60 from Proline to Serine. This variant has been reported in the published literature (PMID:28615118;36156392;23826564;27657681). It is absent or not present at a significant frequency in gnomAD. In silico models predict that this variant is possibly or probably damaging. In conclusion, we classify GLA p.Pro60Ser (c.178C>T) as a variant of uncertain significance.

Revvity Omics, Revvity
Classification: Uncertain significance. Last evaluated: 2023-11-29. Review status: criteria provided, single submitter. Criteria: ACMG Guidelines, 2015. Collection method: clinical testing. Allele origin: germline.

3billion
Classification: Likely pathogenic for Fabry disease. Last evaluated: 2021-11-12. Review status: criteria provided, single submitter. Criteria: ACMG Guidelines, 2015. Collection method: clinical testing. Allele origin: germline. Affected: yes. Observed: 1 heterozygote.
Comment: The variant is located in a mutational hot spot and/or well-established functional domain in which established pathogenic variants have been reported. It is not observed in the gnomAD v2.1.1 dataset. Missense changes are a common disease-causing mechanism. In addition, In silico tool predictions suggest damaging effect of the variant on gene or gene product (REVEL: 0.802; 3Cnet; 0.978). Therefore, this variant was classified as likely pathogenic according to the recommendation of ACMG/AMP guideline.

Literature cited by the submitters: PubMed 28615118 (cited by Genomenon, Inc); PubMed 36156392 (cited by Genomenon, Inc); PubMed 23826564 (cited by Genomenon, Inc); PubMed 27657681 (cited by Genomenon, Inc).